The following is an entry in ClinVar:

ClinVar aggregate classification (germline): Uncertain significance (1 of 4 stars; one submission).

Conditions:
Cardiovascular phenotype. Identifiers: MedGen CN230736.

Submission:

Ambry Genetics
Classification: Uncertain significance for Cardiovascular phenotype. Last evaluated: 2025-08-20. Review status: criteria provided, single submitter. Criteria: Ambry Variant Classification Scheme 2023. Collection method: clinical testing. Allele origin: germline.
Comment: The p.S147P variant (also known as c.439T>C), located in coding exon 6 of the DMD gene, results from a T to C substitution at nucleotide position 439. The serine at codon 147 is replaced by proline, an amino acid with similar properties. This amino acid position is well conserved in available vertebrate species. In addition, this alteration is predicted to be deleterious by in silico analysis. Based on the available evidence, the clinical significance of this variant remains unclear.

NM_004006.3(DMD):c.439T>C (p.Ser147Pro)

Gene: DMD (dystrophin; minus strand). Cytogenetic location: Xp21.1.
Variant type: single nucleotide variant.
Coding change: c.439T>C on transcript NM_004006.3 (MANE Select); coding-DNA position 439, T replaced by C.
Protein change: p.Ser147Pro; replaces serine 147 with proline.
Molecular consequence: missense variant.
Genome position (GRCh38, 1-based): chrX:32,816,559, A>G on the plus strand (T>C on the coding strand, the complement: DMD is on the minus strand). VCF-style: chrX-32816559-A-G. GRCh37 (hg19) VCF-style: chrX-32834676-A-G.
Other names: c.415T>C, p.Ser139Pro (NM_000109.4); c.427T>C, p.Ser143Pro (NM_004009.3); c.70T>C, p.Ser24Pro (NM_004010.3); short protein forms S24P, S139P, S143P, S147P.
Identifiers: ClinVar variation 4241397 (VCV004241397.1).